The following is an entry in ClinVar:

NM_001378454.1(ALMS1):c.12173G>T (p.Arg4058Leu)

Genes: ALMS1 (ALMS1 centrosome and basal body associated protein; plus strand), LOC126806252 (BRD4-independent group 4 enhancer GRCh37_chr2:73828496-73829695; plus strand). Cytogenetic location: 2p13.1.
Variant type: single nucleotide variant.
Coding change: c.12173G>T on transcript NM_001378454.1 (MANE Select); coding-DNA position 12173, G replaced by T.
Protein change: p.Arg4058Leu; replaces arginine 4058 with leucine.
Molecular consequence: missense variant.
Genome position (GRCh38, 1-based): chr2:73,602,243, G>T. VCF-style: chr2-73602243-G-T. GRCh37 (hg19) VCF-style: chr2-73829370-G-T.
Other names: c.12176G>T, p.Arg4059Leu (NM_015120.4); short protein forms R4058L, R4059L.
Identifiers: ClinVar variation 1969186 (VCV001969186.5), dbSNP rs61743400, ClinGen allele CA347267943.
Genomic context (GRCh38, chr2:73,602,243, plus strand): 5'-AGGAATCGCTTCAGTTTCACAGACCTGACTTCATCTCCCGCTCTGGGGAGCGGATAAAGC[G>T]CCTGAAGTTAATAGTCCAGGAGAGGAAGCTGCAGAGCATGTTACAGACCGAGCGGGATGC-3'
Protein context (NP_001365383.1, residues 4048-4068): FISRSGERIK[Arg4058Leu]LKLIVQERKL

ClinVar aggregate classification (germline): Uncertain significance (1 of 4 stars; one submission).

Conditions:
Alstrom syndrome (ALMS). Identifiers: Orphanet 64, MedGen C0268425, MONDO:0008763, OMIM 203800.

gnomAD v4.1: 1 of 1,614,128 alleles (0.000062%); highest among the groups gnomAD compares: Non-Finnish European, 0.000085%; no homozygotes.

Submission:

Labcorp Genetics (formerly Invitae), Labcorp
Classification: Uncertain significance for Alstrom syndrome. Last evaluated: 2022-10-25. Review status: criteria provided, single submitter. Criteria: Invitae Variant Classification Sherloc (09022015). Collection method: clinical testing. Allele origin: germline.
Comment: In summary, the available evidence is currently insufficient to determine the role of this variant in disease. Therefore, it has been classified as a Variant of Uncertain Significance. Experimental studies and prediction algorithms are not available or were not evaluated, and the functional significance of this variant is currently unknown. This variant has not been reported in the literature in individuals affected with ALMS1-related conditions. This variant is present in population databases (no rsID available, gnomAD 0.0009%). This sequence change replaces arginine, which is basic and polar, with leucine, which is neutral and non-polar, at codon 4059 of the ALMS1 protein (p.Arg4059Leu).